The following is an entry in ClinVar:

ClinVar aggregate classification (germline): Benign (3 of 4 stars; one submission).

Conditions:
Breast-ovarian cancer, familial, susceptibility to, 1 (BROVCA1). Also called: BRCA1 Hereditary Breast and Ovarian Cancer; OVARIAN CANCER, SUSCEPTIBILITY TO. Identifiers: Orphanet 145, MedGen C2676676, MONDO:0011450, OMIM 604370. Disease mechanism: loss of function.

Allele frequency attached by ClinVar (database versions not stated): gnomAD 0.00037 and 0.00051; TOPMed 0.00064; 1000 Genomes Project 30x 0.00234; 1000 Genomes Project 0.00240.
gnomAD v4.1: 76 of 151,562 alleles (0.05%); highest among the groups gnomAD compares: East Asian, 1.5%; 1 homozygote.

Submission:

Evidence-based Network for the Interpretation of Germline Mutant Alleles (ENIGMA)
Classification: Benign for Breast-ovarian cancer, familial 1. Last evaluated: 2015-01-12. Review status: reviewed by expert panel. Criteria: ENIGMA BRCA1/2 Classification Criteria (2015). Collection method: curation. Allele origin: germline.
Comment: Class 1 not pathogenic based on frequency >1% in an outbred sampleset. Frequency 0.01748 (Asian), derived from 1000 genomes (2012-04-30).

NM_007294.4(BRCA1):c.5074+1010T>G

Gene: BRCA1 (BRCA1 DNA repair associated; minus strand). Cytogenetic location: 17q21.31.
Variant type: single nucleotide variant.
Coding change: c.5074+1010T>G on transcript NM_007294.4 (MANE Select); 1010 bases into the intron after coding-DNA position 5074, T replaced by G.
Molecular consequence: intron variant.
Genome position (GRCh38, 1-based): chr17:43,066,598, A>C on the plus strand (T>G on the coding strand, the complement: BRCA1 is on the minus strand). VCF-style: chr17-43066598-A-C. GRCh37 (hg19) VCF-style: chr17-41218615-A-C.
Other names: IVS 17+1010T>G; c.5062+1010T>G (NM_001407646.1); c.1636+1010T>G (NM_001408445.1, NM_001408450.1, NM_001408447.1 and 2 more transcripts); c.1639+1010T>G (NM_001408432.1, NM_001408443.1, NM_001408439.1 and 10 more transcripts); c.4945+1010T>G (NM_001407689.1, NM_001407681.1, NM_001407687.1 and 6 more transcripts); c.4948+1010T>G (NM_001407670.1, NM_001407675.1, NM_001407680.1 and 11 more transcripts); c.1642+1010T>G (NM_001408431.1, NM_001408425.1, NM_001408428.1 and 4 more transcripts); c.1645+1010T>G (NM_001408424.1, NM_001408422.1, NM_001408423.1 and 1 more transcripts); and 72 more.
Identifiers: ClinVar variation 209341 (VCV000209341.2), dbSNP rs142829210, ClinGen allele CA276313.